The following is an entry in ClinVar:

NM_013247.5(HTRA2):c.400G>A (p.Ala134Thr)

Gene: HTRA2 (HtrA serine peptidase 2; plus strand). Cytogenetic location: 2p13.1.
Variant type: single nucleotide variant.
Coding change: c.400G>A on transcript NM_013247.5 (MANE Select); coding-DNA position 400, G replaced by A.
Protein change: p.Ala134Thr; replaces alanine 134 with threonine.
Molecular consequence: missense variant. On other transcripts: non-coding transcript variant (1).
Genome position (GRCh38, 1-based): chr2:74,530,406, G>A. VCF-style: chr2-74530406-G-A. GRCh37 (hg19) VCF-style: chr2-74757533-G-A.
Other names: c.400G>A, p.Ala134Thr (NM_001321727.1, NM_001321728.1, NM_145074.2); short protein forms A134T.
Identifiers: ClinVar variation 3362119 (VCV003362119.1).
Genomic context (GRCh38, chr2:74,530,406, plus strand): 5'-GGGGGGGCAGTGCTGTTGTTGTTGTGGGGCGGGGGTCGGGGTCCTCCGGCCGTCCTCGCC[G>A]CCGTCCCTAGCCCGCCGCCCGCTTCTCCCCGGAGTCAGTACAACTTCATCGCAGATGTGG-3'
Protein context (NP_037379.1, residues 124-144): GGRGPPAVLA[Ala134Thr]VPSPPPASPR

ClinVar aggregate classification (germline): Uncertain significance (1 of 4 stars; one submission).

gnomAD v4.1: 5 of 1,596,744 alleles (0.00031%); highest among the groups gnomAD compares: Non-Finnish European, 0.000085%; no homozygotes.

Submission:

GeneDx
Classification: Uncertain significance. Last evaluated: 2023-05-30. Review status: criteria provided, single submitter. Criteria: GeneDx Variant Classification Process June 2021. Collection method: clinical testing. Allele origin: germline. Affected: yes.
Comment: In silico analysis supports that this missense variant does not alter protein structure/function; Has not been previously published as pathogenic or benign to our knowledge